The following is an entry in ClinVar:

NM_004371.4(COPA):c.680G>A (p.Arg227His)

Gene: COPA (coat protein complex I subunit alpha; minus strand). Cytogenetic location: 1q23.2.
Variant type: single nucleotide variant.
Coding change: c.680G>A on transcript NM_004371.4 (MANE Select); coding-DNA position 680, G replaced by A.
Protein change: p.Arg227His; replaces arginine 227 with histidine.
Molecular consequence: missense variant.
Genome position (GRCh38, 1-based): chr1:160,323,457, C>T on the plus strand (G>A on the coding strand, the complement: COPA is on the minus strand). VCF-style: chr1-160323457-C-T. GRCh37 (hg19) VCF-style: chr1-160293247-C-T.
Other names: c.680G>A, p.Arg227His (NM_001098398.2); short protein forms R227H.
Identifiers: ClinVar variation 965950 (VCV000965950.1), dbSNP rs1659391902, ClinGen allele CA343266721.

ClinVar aggregate classification (germline): Uncertain significance (1 of 4 stars; one submission).

Conditions:
Autoimmune interstitial lung disease-arthritis syndrome. Also called: Autoinflammation and autoimmunity, systemic, with immune dysregulation. Identifiers: Orphanet 444092, MedGen C5975714, MONDO:0014629.

Allele frequency attached by ClinVar (database versions not stated): gnomAD exomes below 0.00001.
gnomAD v4.1: 1 of 1,609,102 alleles (0.000062%); highest among the groups gnomAD compares: African/African-American, 0.0013%; no homozygotes.

Submission:

Labcorp Genetics (formerly Invitae), Labcorp
Classification: Uncertain significance for Autoimmune interstitial lung, joint, and kidney disease. Last evaluated: 2019-10-30. Review status: criteria provided, single submitter. Criteria: Invitae Variant Classification Sherloc (09022015). Collection method: clinical testing. Allele origin: germline.
Comment: This sequence change replaces arginine with histidine at codon 227 of the COPA protein (p.Arg227His). The arginine residue is highly conserved and there is a small physicochemical difference between arginine and histidine. This variant is not present in population databases (ExAC no frequency). This variant has not been reported in the literature in individuals with COPA-related conditions. Algorithms developed to predict the effect of missense changes on protein structure and function are either unavailable or do not agree on the potential impact of this missense change (SIFT: "Deleterious"; PolyPhen-2: "Possibly Damaging"; Align-GVGD: "Class C0"). In summary, the available evidence is currently insufficient to determine the role of this variant in disease. Therefore, it has been classified as a Variant of Uncertain Significance.